The following is an entry in ClinVar:

ClinVar aggregate classification (germline): Pathogenic. Review status: criteria provided, multiple submitters, no conflicts (2 of 4 stars). 2 submissions from 2 submitters: Pathogenic (2). Last evaluated 2023-06-27.

Conditions:
Familial cancer of breast. Also called: hereditary breast carcinoma; BREAST CANCER, FAMILIAL; Hereditary breast cancer. Identifiers: Orphanet 227535, MedGen C0346153, MONDO:0016419, OMIM 114480. Disease mechanism: loss of function.

Submissions (2):

Myriad Genetics, Inc.
Classification: Pathogenic for Familial cancer of breast. Last evaluated: 2023-06-27. Review status: criteria provided, single submitter. Criteria: Myriad Autosomal Dominant, Autosomal Recessive and X-Linked Classification Criteria (2023). Collection method: clinical testing. Allele origin: unknown.
Comment: This variant is considered pathogenic. This variant creates a frameshift predicted to result in premature protein truncation.

Labcorp Genetics (formerly Invitae), Labcorp
Classification: Pathogenic for Familial cancer of breast. Last evaluated: 2021-04-28. Review status: criteria provided, single submitter. Criteria: Invitae Variant Classification Sherloc (09022015). Collection method: clinical testing. Allele origin: germline.
Comment: For these reasons, this variant has been classified as Pathogenic. This variant has not been reported in the literature in individuals with CHEK2-related conditions. This variant is not present in population databases (ExAC no frequency). This sequence change creates a premature translational stop signal (p.Asn281Lysfs*9) in the CHEK2 gene. It is expected to result in an absent or disrupted protein product. Loss-of-function variants in CHEK2 are known to be pathogenic (PMID: 21876083, 24713400).

Literature cited by the submitters: PubMed 21876083 (cited by Labcorp Genetics (formerly Invitae), Labcorp); PubMed 24713400 (cited by Labcorp Genetics (formerly Invitae), Labcorp).

NM_007194.4(CHEK2):c.842dup (p.Asn281fs)

Gene: CHEK2 (checkpoint kinase 2; minus strand). Cytogenetic location: 22q12.1.
Variant type: Duplication.
Coding change: c.842dup on transcript NM_007194.4 (MANE Select); coding-DNA position 842, one base duplicated (A; older notation c.842dupA).
Protein change: p.Asn281fs; shifts the reading frame from asparagine 281.
Molecular consequence: frameshift variant.
Genome position (GRCh38, 1-based): chr22:28,710,010, T duplicated on the plus strand (A on the coding strand, the reverse complement: CHEK2 is on the minus strand); the first of 3 consecutive T bases (chr22:28,710,010-28,710,012); duplicating any one gives the same sequence. VCF-style (leftmost placement, unchanged base first): chr22-28710009-A-AT. GRCh37 (hg19) VCF-style: chr22-29105997-A-AT.
Other names: c.969dup, p.Asn324Lysfs (NM_001005735.3); c.177dup, p.Asn60Lysfs (NM_001257387.3); c.639dup, p.Asn214Lysfs (NM_001349956.3); c.840dup, p.Asn281Lysfs (NM_145862.3); short protein forms N324fs, N60fs, N214fs, N281fs.
Identifiers: ClinVar variation 945032 (VCV000945032.10), dbSNP rs2053330207, ClinGen allele CA1139666361.
Genomic context (GRCh38, chr22:28,710,009, plus strand): 5'-CTCTTCTCATATTTTGAGATAGATAAATCTAAGTATGAGTCATATAATAATACTTACATG[A>AT]TTTAGCTTTTTCAAAATTTCTATTTCTGTTTCAACATTGAGAGCTGGGTCCTTTGATAAA-3'